The following is an entry in ClinVar:

ClinVar aggregate classification (germline): Benign. Review status: criteria provided, multiple submitters, no conflicts (2 of 4 stars). 5 submissions from 5 submitters: Benign (3). 2 of the submissions do not count toward it. Last evaluated 2018-08-16.

Conditions:
Occult macular dystrophy (OCMD). Also called: OMD; OCCULT MACULAR DYSTROPHY, SUSCEPTIBILITY TO. Identifiers: Orphanet 247834, MedGen C3150833, MONDO:0013316, OMIM 613587, HP:0030636.

Allele frequency attached by ClinVar (database versions not stated): gnomAD 0.07090.
gnomAD v4.1: 48,801 of 985,004 alleles (5%); highest among the groups gnomAD compares: South Asian, 6.6%; 2,707 homozygotes.

Submissions (5):

GeneDx
Classification: Benign. Last evaluated: 2018-08-16. Review status: criteria provided, single submitter. Criteria: GeneDx Variant Classification Process June 2021. Collection method: clinical testing. Allele origin: germline. Affected: yes.

Illumina Laboratory Services, Illumina
Classification: Benign for Occult macular dystrophy. Last evaluated: 2018-01-13. Review status: criteria provided, single submitter. Criteria: ICSL Variant Classification Criteria 13 December 2019. Collection method: clinical testing. Allele origin: germline.
Comment: This variant was observed in the ICSL laboratory as part of a predisposition screen in an ostensibly healthy population. It had not been previously curated by ICSL or reported in the Human Gene Mutation Database (HGMD: prior to June 1st, 2018), and was therefore a candidate for classification through an automated scoring system. Utilizing variant allele frequency, disease prevalence and penetrance estimates, and inheritance mode, an automated score was calculated to assess if this variant is too frequent to cause the disease. Based on the score and internal cut-off values, a variant classified as benign is not then subjected to further curation. The score for this variant resulted in a classification of benign for this disease.

Breakthrough Genomics
Classification: Benign. Review status: criteria provided, single submitter. Criteria: ACMG Guidelines, 2015. Collection method: not provided. Allele origin: germline. Inheritance: Autosomal recessive inheritance. Affected: yes.

Clinical Genetics DNA and cytogenetics Diagnostics Lab, Erasmus MC, Erasmus Medical Center
Classification: Likely benign. Review status: no assertion criteria provided. Collection method: clinical testing. Allele origin: germline. Affected: yes. Study: VKGL Data-share Consensus. Not counted in ClinVar's aggregate classification.

Clinical Genetics, Academic Medical Center
Classification: Benign. Review status: no assertion criteria provided. Collection method: clinical testing. Allele origin: germline. Affected: yes. Study: VKGL Data-share Consensus. Not counted in ClinVar's aggregate classification.

NM_178857.6(RP1L1):c.3980C>T (p.Thr1327Ile)

Gene: RP1L1 (RP1 like 1). Cytogenetic location: 8p23.1.
Variant type: single nucleotide variant.
Coding change: c.3980C>T on transcript NM_178857.6 (MANE Select); coding-DNA position 3980, C replaced by T.
Protein change: p.Thr1327Ile; replaces threonine 1327 with isoleucine.
Molecular consequence: missense variant.
Genome position (GRCh38, 1-based): chr8:10,610,118, G>A on the plus strand (C>T on the coding strand, the complement: RP1L1 is on the minus strand). VCF-style: chr8-10610118-G-A. GRCh37 (hg19) VCF-style: chr8-10467628-G-A.
Other names: short protein forms T1327I.
Identifiers: ClinVar variation 908413 (VCV000908413.9), dbSNP rs143544262, ClinGen allele CA4624261.